The following is an entry in ClinVar:

ClinVar aggregate classification (germline): Likely benign (1 of 4 stars; one submission).

Conditions:
EPHX1-related disorder. Also called: EPHX1-related condition.

gnomAD v4.1: 1 of 1,614,014 alleles (0.000062%); highest among the groups gnomAD compares: Non-Finnish European, 0.000085%; no homozygotes.

Submission:

PreventionGenetics, part of Exact Sciences
Classification: Likely benign for EPHX1-related condition. Last evaluated: 2026-05-13. Review status: criteria provided, single submitter. Criteria: ACMG Guidelines, 2015. Collection method: clinical testing. Allele origin: germline.
Comment: This variant is classified as likely benign based on ACMG/AMP sequence variant interpretation guidelines (Richards et al. 2015 PMID: 25741868, with internal and published modifications).

NM_001136018.4(EPHX1):c.1275C>T (p.Tyr425=)

Genes: EPHX1 (epoxide hydrolase 1; plus strand), TMEM63A (transmembrane protein 63A; minus strand). Cytogenetic location: 1q42.12.
Variant type: single nucleotide variant.
Coding change: c.1275C>T on transcript NM_001136018.4 (MANE Select); coding-DNA position 1275, C replaced by T.
Protein change: p.Tyr425=; no amino-acid change (tyrosine 425 retained).
Molecular consequence: synonymous variant. On other transcripts: non-coding transcript variant (4).
Genome position (GRCh38, 1-based): chr1:225,845,254, C>T. VCF-style: chr1-225845254-C-T. GRCh37 (hg19) VCF-style: chr1-226032955-C-T.
Other names: c.1227C>T, p.Tyr409= (NM_001378429.1, NM_001378430.1); c.1047C>T, p.Tyr349= (NM_001378431.1); c.708C>T, p.Tyr236= (NM_001378432.1); c.1275C>T, p.Tyr425= (NM_000120.4, NM_001291163.2, NM_001378426.1 and 1 more transcripts); c.1248C>T, p.Tyr416= (NM_001378428.1).
Identifiers: ClinVar variation 4996516 (VCV004996516.1).
Genomic context (GRCh38, chr1:225,845,254, plus strand): 5'-ATTGCACACGCCTGAAAAGTGGGTGAGGTTCAAGTACCCAAAGCTCATCTCCTATTCCTA[C>T]ATGGTTCGTGGGGGCCACTTTGCGGCCTTTGAGGAGCCGGAGCTGCTCGCCCAGGACATC-3'
Protein context (NP_001129490.1, residues 415-435): FKYPKLISYS[Tyr425=]MVRGGHFAAF